The following is an entry in ClinVar:

ClinVar aggregate classification (germline): Conflicting classifications of pathogenicity. Review status: criteria provided, conflicting classifications (1 of 4 stars). 15 submissions from 13 submitters: Uncertain significance (12); Likely benign (2). 1 of the submissions does not count toward it. Last evaluated 2025-11-05.

Conditions:
Meckel-Gruber syndrome. Also called: Dysencephalia splachnocystica; DYSENCEPHALIA SPLANCHNOCYSTICA; GRUBER SYNDROME. Identifiers: Orphanet 564, MedGen C0265215, MONDO:0018921.
Joubert syndrome. Also called: Familial aplasia of the vermis; JOUBERT-BOLTSHAUSER SYNDROME. Identifiers: Orphanet 475, MedGen C5979921, MONDO:0018772.
Retinal dystrophy. Also called: Inherited retinal dystrophy. Identifiers: Orphanet 71862, MedGen C0854723, MeSH D058499, MONDO:0019118, HP:0000556.
Meckel syndrome, type 5 (MKS5). Identifiers: Orphanet 564, MedGen C1969052, MONDO:0012695, OMIM 611561.
Joubert syndrome 7 (JBTS7). Identifiers: Orphanet 220497, MedGen C1969053, MONDO:0012694, OMIM 611560.
COACH syndrome 3. Identifiers: MedGen C5436841, MONDO:0030862, OMIM 619113.
Nephronophthisis 8. Identifiers: MedGen CN119610.
Inborn genetic diseases. Identifiers: MedGen C0950123, MeSH D030342.

Allele frequency attached by ClinVar (database versions not stated): ESP Exome Variant Server 0.00015; TOPMed 0.00016; gnomAD 0.00021 and 0.00024; gnomAD exomes 0.00024 and 0.00031; ExAC 0.00033.
gnomAD v4.1: 366 of 1,589,184 alleles (0.023%); highest among the groups gnomAD compares: Non-Finnish European, 0.024%; 1 homozygote.

Submissions (15):

Mayo Clinic Laboratories, Mayo Clinic
Classification: Likely benign. Last evaluated: 2025-11-05. Review status: criteria provided, single submitter. Criteria: ACMG Guidelines, 2015. Collection method: clinical testing. Allele origin: germline. Observed: 2 variant alleles.
Comment: BS1, BP4_moderate

Ambry Genetics
Classification: Uncertain significance for Inborn genetic diseases. Last evaluated: 2025-10-10. Review status: criteria provided, single submitter. Criteria: Ambry Variant Classification Scheme 2023. Collection method: clinical testing. Allele origin: germline.
Comment: The c.628A>G (p.N210D) alteration is located in exon 5 (coding exon 4) of the RPGRIP1L gene. This alteration results from an A to G substitution at nucleotide position 628, causing the asparagine (N) at amino acid position 210 to be replaced by an aspartic acid (D). Based on data from gnomAD, the G allele has an overall frequency of 0.03% (85/282286) total alleles studied. The highest observed frequency was 0.104% (26/25082) of European (Finnish) alleles. This variant has been identified in conjunction with other RPGRIP1L variant(s) in individual(s), but the variants were in cis or phase unknown, and the presentation was not highly consistent RPGRIP1L-related Joubert syndrome (Schr&ouml;der, 2023; Abolhassani, 2024). This amino acid position is well conserved in available vertebrate species. This alteration is predicted to be tolerated by in silico analysis. Based on insufficient or conflicting evidence, the clinical significance of this alteration remains unclear.

Blueprint Genetics
Classification: Likely benign. Last evaluated: 2024-11-25. Review status: criteria provided, single submitter. Criteria: ACMG Guidelines, 2015. Collection method: clinical testing. Allele origin: germline.

Fulgent Genetics
Classification: Uncertain significance for Joubert syndrome 7; Meckel syndrome, type 5; COACH syndrome 3. Last evaluated: 2024-06-01. Review status: criteria provided, single submitter. Criteria: ACMG Guidelines, 2015. Collection method: clinical testing. Allele origin: germline.

Women's Health and Genetics/Laboratory Corporation of America, LabCorp
Classification: Uncertain significance. Last evaluated: 2023-02-17. Review status: criteria provided, single submitter. Criteria: LabCorp Variant Classification Summary - May 2015. Collection method: clinical testing. Allele origin: germline.
Comment: Variant summary: RPGRIP1L c.628A>G (p.Asn210Asp) results in a conservative amino acid change in the encoded protein sequence. Three of five in-silico tools predict a benign effect of the variant on protein function. The variant allele was found at a frequency of 0.00031 in 250950 control chromosomes (gnomAD). This frequency is not significantly higher than estimated for a pathogenic variant in RPGRIP1L causing Joubert Syndrome And Related Disorders (0.00031 vs 0.00079), allowing no conclusion about variant significance. c.628A>G has been reported in the literature in at least one individual affected with retinitis pigmentosa (Bryant_2018). This report does not provide unequivocal conclusions about association of the variant with Joubert Syndrome And Related Disorders. To our knowledge, no experimental evidence demonstrating an impact on protein function has been reported. Eight submitters have provided clinical-significance assessments for this variant to ClinVar after 2014 and all classified the variant as uncertain significance. Based on the evidence outlined above, the variant was classified as uncertain significance.

Labcorp Genetics (formerly Invitae), Labcorp
Classification: Uncertain significance for Joubert syndrome; Meckel-Gruber syndrome. Last evaluated: 2022-10-17. Review status: criteria provided, single submitter. Criteria: Invitae Variant Classification Sherloc (09022015). Collection method: clinical testing. Allele origin: germline.
Comment: This sequence change replaces asparagine, which is neutral and polar, with aspartic acid, which is acidic and polar, at codon 210 of the RPGRIP1L protein (p.Asn210Asp). This variant is present in population databases (rs146584570, gnomAD 0.1%). This missense change has been observed in individual(s) with retinitis pigmentosa (PMID: 29343940). ClinVar contains an entry for this variant (Variation ID: 426501). Advanced modeling of protein sequence and biophysical properties (such as structural, functional, and spatial information, amino acid conservation, physicochemical variation, residue mobility, and thermodynamic stability) performed at Invitae indicates that this missense variant is not expected to disrupt RPGRIP1L protein function. In summary, the available evidence is currently insufficient to determine the role of this variant in disease. Therefore, it has been classified as a Variant of Uncertain Significance.

Institute of Human Genetics, Univ. Regensburg, Univ. Regensburg
Classification: Uncertain significance for Retinal dystrophy. Last evaluated: 2022-01-01. Review status: criteria provided, single submitter. Criteria: ACMG Guidelines, 2015. Collection method: clinical testing. Allele origin: germline. Affected: yes.

Ocular Genomics Institute, Massachusetts Eye and Ear
Classification: Uncertain significance for Joubert syndrome 7. Last evaluated: 2021-04-08. Review status: criteria provided, single submitter. Criteria: ACMG Guidelines, 2015. Collection method: research. Allele origin: germline. Affected: yes.
Comment: Through a review of available evidence we were able to apply the following criteria: PM2. Based on this evidence we have classified this variant as Variant of Uncertain Significance.

CeGaT Center for Human Genetics Tuebingen
Classification: Uncertain significance. Last evaluated: 2020-06-01. Review status: criteria provided, single submitter. Criteria: CeGaT Center For Human Genetics Tuebingen Variant Classification Criteria Version 2. Collection method: clinical testing. Allele origin: germline. Affected: yes. Observed: 1 variant allele.

Centre for Mendelian Genomics, University Medical Centre Ljubljana
Classification: Uncertain significance for Joubert syndrome 7. Last evaluated: 2019-10-17. Review status: criteria provided, single submitter. Criteria: ACMG Guidelines, 2015. Collection method: clinical testing. Allele origin: unknown. Affected: yes.
Comment: This variant was classified as: Uncertain significance. The available evidence on this variant's pathogenicity is insufficient or conflicting. The following ACMG criteria were applied in classifying this variant: No criteria apply.

GeneDx
Classification: Uncertain significance. Last evaluated: 2018-02-27. Review status: criteria provided, single submitter. Criteria: GeneDx Variant Classification (06012015). Collection method: clinical testing. Allele origin: germline. Affected: yes.
Comment: The N210D variant in the RPGRIP1L gene has not been reported previously as a pathogenic variant, nor as a benign variant, to our knowledge. Although not present in the homozygous state, the N210D variant is observed in 4/6604 (0.061%) alleles from individuals of European background, in the ExAC dataset (Lek et al., 2016). The N210D variant is a semi-conservative amino acid substitution, which may impact secondary protein structure as these residues differ in some properties. This substitution occurs at a position that is conserved across species. In silico analysis is inconsistent in its predictions as to whether or not the variant is damaging to the protein structure/function. We interpret N210D as a variant of uncertain significance.

Illumina Laboratory Services, Illumina
Classification: Uncertain significance for Nephronophthisis 8. Last evaluated: 2018-01-13. Review status: criteria provided, single submitter. Criteria: ICSL Variant Classification Criteria 13 December 2019. Collection method: clinical testing. Allele origin: germline.

Illumina Laboratory Services, Illumina
Classification: Uncertain significance for Joubert syndrome 7. Last evaluated: 2018-01-13. Review status: criteria provided, single submitter. Criteria: ICSL Variant Classification Criteria 13 December 2019. Collection method: clinical testing. Allele origin: germline.

Illumina Laboratory Services, Illumina
Classification: Uncertain significance for Meckel syndrome, type 5. Last evaluated: 2018-01-13. Review status: criteria provided, single submitter. Criteria: ICSL Variant Classification Criteria 13 December 2019. Collection method: clinical testing. Allele origin: germline.

Natera, Inc.
Classification: Uncertain significance for Joubert syndrome. Last evaluated: 2020-09-16. Review status: no assertion criteria provided. Collection method: clinical testing. Allele origin: germline. Not counted in ClinVar's aggregate classification.

Literature cited by the submitters: PubMed 29343940 (cited by 4 submitters); PubMed 37734845 (cited by Mayo Clinic Laboratories, Mayo Clinic); PubMed 38374194 (cited by Mayo Clinic Laboratories, Mayo Clinic and Ambry Genetics); PubMed 37131188 (cited by Ambry Genetics); PubMed 3442652 (cited by Institute of Human Genetics, Univ. Regensburg, Univ. Regensburg).

NM_015272.5(RPGRIP1L):c.628A>G (p.Asn210Asp)

Gene: RPGRIP1L (RPGRIP1 like; minus strand). Cytogenetic location: 16q12.2.
Variant type: single nucleotide variant.
Coding change: c.628A>G on transcript NM_015272.5 (MANE Select); coding-DNA position 628, A replaced by G.
Protein change: p.Asn210Asp; replaces asparagine 210 with aspartic acid.
Molecular consequence: missense variant.
Genome position (GRCh38, 1-based): chr16:53,687,867, T>C on the plus strand (A>G on the coding strand, the complement: RPGRIP1L is on the minus strand). VCF-style: chr16-53687867-T-C. GRCh37 (hg19) VCF-style: chr16-53721779-T-C.
Other names: p.Asn210Asp; c.628A>G (NM_015272.4); c.628A>G, p.Asn210Asp (NM_001127897.4, NM_001308334.3, NM_001330538.2); short protein forms N210D.
Identifiers: ClinVar variation 426501 (VCV000426501.59), dbSNP rs146584570, ClinGen allele CA8058076.
Genomic context (GRCh38, chr16:53,687,867, plus strand): 5'-AAAAAGACATTATCAATAACCAAAGTTCTCAAATTACCACAAAAAAGAACACATACAAAT[T>C]TCTTATTTCTCCTCTGGCTTCTTCAAGTAAACTGTTGCCATATTTTGTAAACATGGGATG-3'
Protein context (NP_056087.2, residues 200-220): LLEEARGEIR[Asn210Asp]LENVIQSQRG